The following is an entry in ClinVar:

ClinVar aggregate classification (germline): Conflicting classifications of pathogenicity. Review status: criteria provided, conflicting classifications (1 of 4 stars). 2 submissions from 2 submitters: Uncertain significance (1); Likely benign (1). Last evaluated 2025-08-05.

Conditions:
Renal cell carcinoma. Identifiers: Orphanet 217071, MedGen C0007134, MeSH D002292, MONDO:0005086, HP:0005584.
Hereditary cancer-predisposing syndrome. Also called: Neoplastic Syndromes, Hereditary; Tumor predisposition; Hereditary neoplastic syndrome; Hereditary Cancer Syndrome. Identifiers: Orphanet 140162, MedGen C0027672, MeSH D009386, MONDO:0015356.

Allele frequency attached by ClinVar (database versions not stated): gnomAD exomes below 0.00001; gnomAD 0.00001.
gnomAD v4.1: 2 of 1,613,866 alleles (0.00012%); highest among the groups gnomAD compares: African/African-American, 0.0013%; no homozygotes.

Submissions (2):

Ambry Genetics
Classification: Likely benign for Hereditary cancer-predisposing syndrome. Last evaluated: 2025-08-05. Review status: criteria provided, single submitter. Criteria: Ambry Variant Classification Scheme 2023. Collection method: clinical testing. Allele origin: germline.

Labcorp Genetics (formerly Invitae), Labcorp
Classification: Uncertain significance for Renal cell carcinoma. Last evaluated: 2022-10-03. Review status: criteria provided, single submitter. Criteria: Invitae Variant Classification Sherloc (09022015). Collection method: clinical testing. Allele origin: germline.
Comment: This variant has not been reported in the literature in individuals affected with MET-related conditions. In summary, the available evidence is currently insufficient to determine the role of this variant in disease. Therefore, it has been classified as a Variant of Uncertain Significance. Advanced modeling of protein sequence and biophysical properties (such as structural, functional, and spatial information, amino acid conservation, physicochemical variation, residue mobility, and thermodynamic stability) performed at Invitae indicates that this missense variant is not expected to disrupt MET protein function. ClinVar contains an entry for this variant (Variation ID: 825204). This variant is not present in population databases (gnomAD no frequency). This sequence change replaces isoleucine, which is neutral and non-polar, with valine, which is neutral and non-polar, at codon 161 of the MET protein (p.Ile161Val).

NM_000245.4(MET):c.481A>G (p.Ile161Val)

Gene: MET (MET proto-oncogene, receptor tyrosine kinase; plus strand). Cytogenetic location: 7q31.2.
Variant type: single nucleotide variant.
Coding change: c.481A>G on transcript NM_000245.4 (MANE Select); coding-DNA position 481, A replaced by G.
Protein change: p.Ile161Val; replaces isoleucine 161 with valine.
Molecular consequence: missense variant. On other transcripts: intron variant (1).
Genome position (GRCh38, 1-based): chr7:116,699,565, A>G. VCF-style: chr7-116699565-A-G. GRCh37 (hg19) VCF-style: chr7-116339619-A-G.
Other names: c.481A>G, p.Ile161Val (NM_001127500.3, NM_001324401.3); c.-91+26988A>G (NM_001324402.2); short protein forms I161V.
Identifiers: ClinVar variation 825204 (VCV000825204.10), dbSNP rs1584876914, ClinGen allele CA368969178.